The following is an entry in ClinVar:

ClinVar aggregate classification (germline): Uncertain significance (1 of 4 stars; one submission).

Conditions:
COL4A3-related disorder. Also called: COL4A3-related condition; COL4A3-Related Disorders.

gnomAD v4.1: 1 of 1,614,026 alleles (0.000062%); highest among the groups gnomAD compares: Admixed American, 0.0017%; no homozygotes.

Submission:

PreventionGenetics, part of Exact Sciences
Classification: Uncertain significance for COL4A3-related condition. Last evaluated: 2025-11-07. Review status: criteria provided, single submitter. Criteria: ACMG Guidelines, 2015. Collection method: clinical testing. Allele origin: germline.
Comment: The COL4A3 c.468+5G>C variant is predicted to interfere with splicing. This variant is predicted to impact splicing based on available splicing prediction programs (SpliceAI, Jaganathan et al. 2019. PubMed ID: 30661751). To our knowledge, this variant has not been reported in the literature. This variant is reported in 0.0029% of alleles in individuals of Latino descent in gnomAD. At this time, the clinical significance of this variant is uncertain due to the absence of conclusive functional and genetic evidence.

NM_000091.5(COL4A3):c.468+5G>C

Genes: COL4A3 (collagen type IV alpha 3 chain; plus strand), MFF-DT (MFF divergent transcript; minus strand). Cytogenetic location: 2q36.3.
Variant type: single nucleotide variant.
Coding change: c.468+5G>C on transcript NM_000091.5 (MANE Select); 5 bases into the intron after coding-DNA position 468, G replaced by C.
Molecular consequence: intron variant.
Genome position (GRCh38, 1-based): chr2:227,247,589, G>C. VCF-style: chr2-227247589-G-C. GRCh37 (hg19) VCF-style: chr2-228112305-G-C.
Identifiers: ClinVar variation 4998364 (VCV004998364.1).